The following is an entry in ClinVar:

NM_001110556.2(FLNA):c.869-28C>G

Gene: FLNA (filamin A; minus strand). Cytogenetic location: Xq28.
Variant type: single nucleotide variant.
Coding change: c.869-28C>G on transcript NM_001110556.2 (MANE Select); 28 bases into the intron before coding-DNA position 869, C replaced by G.
Molecular consequence: intron variant.
Genome position (GRCh38, 1-based): chrX:154,366,878, G>C on the plus strand (C>G on the coding strand, the complement: FLNA is on the minus strand). VCF-style: chrX-154366878-G-C. GRCh37 (hg19) VCF-style: chrX-153595246-G-C.
Other names: c.869-28C>G (NM_001456.4).
Identifiers: ClinVar variation 670953 (VCV000670953.2), dbSNP rs4898478, ClinGen allele CA10561339.

ClinVar aggregate classification (germline): Benign. Review status: criteria provided, multiple submitters, no conflicts (2 of 4 stars). 2 submissions from 2 submitters: Benign (2). Last evaluated 2018-06-18.

Allele frequency attached by ClinVar (database versions not stated): ESP Exome Variant Server 0.16863; gnomAD 0.17544 and 0.18721; TOPMed 0.17933; ExAC 0.24041; gnomAD exomes 0.24175; 1000 Genomes Project 0.24450; 1000 Genomes Project 30x 0.24599.
gnomAD v4.1: 247,230 of 1,134,655 alleles (22%); highest among the groups gnomAD compares: South Asian, 53%; 18,909 homozygotes.

Submissions (2):

GeneDx
Classification: Benign. Last evaluated: 2018-06-18. Review status: criteria provided, single submitter. Criteria: GeneDx Variant Classification (06012015). Collection method: clinical testing. Allele origin: germline. Affected: yes.
Comment: This variant is considered likely benign or benign based on one or more of the following criteria: it is a conservative change, it occurs at a poorly conserved position in the protein, it is predicted to be benign by multiple in silico algorithms, and/or has population frequency not consistent with disease.

Breakthrough Genomics
Classification: Benign. Review status: criteria provided, single submitter. Criteria: ACMG Guidelines, 2015. Collection method: not provided. Allele origin: germline. Inheritance: X-linked inheritance. Affected: yes.